The following is an entry in ClinVar:

NM_198252.3(GSN):c.664-4A>G

Gene: GSN (gelsolin; plus strand). Cytogenetic location: 9q33.2.
Variant type: single nucleotide variant.
Coding change: c.664-4A>G on transcript NM_198252.3 (MANE Select); 4 bases into the intron before coding-DNA position 664, A replaced by G.
Molecular consequence: intron variant.
Genome position (GRCh38, 1-based): chr9:121,313,930, A>G. VCF-style: chr9-121313930-A-G. GRCh37 (hg19) VCF-style: chr9-124076208-A-G.
Other names: c.664-4A>G (NM_001353054.1, NM_001353053.1, NM_001353060.2 and 10 more transcripts); c.697-4A>G (NM_001353064.2, NM_001353066.2, NM_001353073.2 and 13 more transcripts); c.772-4A>G (NM_001127663.2); c.736-4A>G (NM_001353076.2); c.10-4A>G (NM_001353078.2); c.715-4A>G (NM_001258029.2); c.688-4A>G (NM_001258030.2); c.817-4A>G (NM_000177.5).
Identifiers: ClinVar variation 717916 (VCV000717916.19), dbSNP rs143590302, ClinGen allele CA5220990.
Genomic context (GRCh38, chr9:121,313,930, plus strand): 5'-TATCTCAGGAGCCTGGCCCCTCCCTCACAGCCACCCTTCCTCTCCATCTCTCTATCTCCT[A>G]CAGGTGCTGGGCCCCAAGCCGGCTCTGCCTGCAGGTACCGAGGACACCGCCAAGGAGGAT-3'

ClinVar aggregate classification (germline): Benign/Likely benign. Review status: criteria provided, multiple submitters, no conflicts (2 of 4 stars). 6 submissions from 6 submitters: Benign (2); Likely benign (3). 1 of the submissions does not count toward it. Last evaluated 2026-09-01.

Conditions:
Finnish type amyloidosis. Also called: AMYLOID CRANIAL NEUROPATHY WITH LATTICE CORNEAL DYSTROPHY; AMYLOIDOSIS DUE TO MUTANT GELSOLIN; Lattice corneal dystrophy associated with familial systemic amyloidosis; Meretoja's syndrome; Lattice dystrophy of the cornea with hereditary generalized amyloidosis; Amyloidosis, familial, Finnish type. Identifiers: Orphanet 85448, MedGen C1622345, MONDO:0007097, OMIM 105120.
GSN-related disorder. Also called: GSN-related condition.

Allele frequency attached by ClinVar (database versions not stated): gnomAD exomes 0.00039 and 0.00098; ExAC 0.00128; 1000 Genomes Project 30x 0.00328; 1000 Genomes Project 0.00339; gnomAD 0.00344 and 0.00376; ESP Exome Variant Server 0.00400; TOPMed 0.00423.
gnomAD v4.1: 1,122 of 1,611,472 alleles (0.07%); highest among the groups gnomAD compares: African/African-American, 1.2%; 2 homozygotes.

Submissions (10):

CeGaT Center for Human Genetics Tuebingen
Classification: Likely benign. Last evaluated: 2026-09-01. Review status: criteria provided, single submitter. Criteria: CeGaT Center For Human Genetics Tuebingen Variant Classification Criteria Version 2. Collection method: clinical testing. Allele origin: germline. Affected: yes. Observed: 1 variant allele.
Comment: GSN: BP4, BS1

Labcorp Genetics (formerly Invitae), Labcorp
Classification: Benign. Last evaluated: 2026-02-02. Review status: criteria provided, single submitter. Criteria: Invitae Variant Classification Sherloc (09022015). Collection method: clinical testing. Allele origin: germline.

Blueprint Genetics
Classification: Likely benign. Last evaluated: 2024-11-11. Review status: criteria provided, single submitter. Criteria: ACMG Guidelines, 2015. Collection method: clinical testing. Allele origin: germline.

Fulgent Genetics
Classification: Likely benign for Finnish type amyloidosis. Last evaluated: 2021-09-16. Review status: criteria provided, single submitter. Criteria: ACMG Guidelines, 2015. Collection method: clinical testing. Allele origin: unknown.

Illumina Laboratory Services, Illumina
Classification: Benign for Finnish type amyloidosis. Last evaluated: 2018-01-13. Review status: criteria provided, single submitter. Criteria: ICSL Variant Classification Criteria 13 December 2019. Collection method: clinical testing. Allele origin: germline.
Comment: This variant was observed in the ICSL laboratory as part of a predisposition screen in an ostensibly healthy population. It had not been previously curated by ICSL or reported in the Human Gene Mutation Database (HGMD: prior to June 1st, 2018), and was therefore a candidate for classification through an automated scoring system. Utilizing variant allele frequency, disease prevalence and penetrance estimates, and inheritance mode, an automated score was calculated to assess if this variant is too frequent to cause the disease. Based on the score and internal cut-off values, a variant classified as benign is not then subjected to further curation. The score for this variant resulted in a classification of benign for this disease.

PreventionGenetics, part of Exact Sciences
Classification: Benign for GSN-related condition. Last evaluated: 2024-01-17. Review status: no assertion criteria provided. Collection method: clinical testing. Allele origin: germline. Not counted in ClinVar's aggregate classification.
Comment: This variant is classified as benign based on ACMG/AMP sequence variant interpretation guidelines (Richards et al. 2015 PMID: 25741868, with internal and published modifications).

Dr. Peter K. Rogan Lab, Western University
No classification provided (evidence only). Condition: Uterine corpus endometrial carcinoma. Review status: no classification provided. Collection method: in vitro. Allele origin: not applicable. Functional consequence: retained intron. Not counted in ClinVar's aggregate classification.

Dr. Peter K. Rogan Lab, Western University
No classification provided (evidence only). Condition: Cervical cancer. Review status: no classification provided. Collection method: in vitro. Allele origin: not applicable. Functional consequence: retained intron. Not counted in ClinVar's aggregate classification.

Dr. Peter K. Rogan Lab, Western University
No classification provided (evidence only). Condition: Sarcoma. Review status: no classification provided. Collection method: in vitro. Allele origin: not applicable. Functional consequence: skipped exon, retained intron. Not counted in ClinVar's aggregate classification.

Dr. Peter K. Rogan Lab, Western University
No classification provided (evidence only). Condition: Pancreatic adenocarcinoma. Review status: no classification provided. Collection method: in vitro. Allele origin: not applicable. Functional consequence: retained intron. Not counted in ClinVar's aggregate classification.